The following is an entry in ClinVar:

NM_007194.4(CHEK2):c.1024G>A (p.Gly342Ser)

Gene: CHEK2 (checkpoint kinase 2; minus strand). Cytogenetic location: 22q12.1.
Variant type: single nucleotide variant.
Coding change: c.1024G>A on transcript NM_007194.4 (MANE Select); coding-DNA position 1024, G replaced by A.
Protein change: p.Gly342Ser; replaces glycine 342 with serine.
Molecular consequence: missense variant. On other transcripts: intron variant (3).
Genome position (GRCh38, 1-based): chr22:28,696,972, C>T on the plus strand (G>A on the coding strand, the complement: CHEK2 is on the minus strand). VCF-style: chr22-28696972-C-T. GRCh37 (hg19) VCF-style: chr22-29092960-C-T.
Other names: p.G342S:GGT>AGT; c.1153G>A, p.Gly385Ser (NM_001005735.3); c.361G>A, p.Gly121Ser (NM_001257387.3, NM_001437942.1); c.823G>A, p.Gly275Ser (NM_001349956.3); c.1117G>A, p.Gly373Ser (NM_001438293.1); c.1009-1099G>A (NM_145862.3); c.1102-1099G>A (NM_001438295.1); c.1138-1099G>A (NM_001438294.1); short protein forms G342S, G121S, G275S, G385S, G373S.
Identifiers: ClinVar variation 182457 (VCV000182457.27), dbSNP rs730881705, ClinGen allele CA299120.
Genomic context (GRCh38, chr22:28,696,972, plus strand): 5'-AGTCCTCTTCTTGAGATGACAGTAAAACATTCTCTGGCTTTAAGTCACGGTGTATAATAC[C>T]GTTTTCATGAAGGTACTACACAGAAAGGCAGGCATGACCCTCAGATTCATGCAGTAGATA-3'
Protein context (NP_009125.1, residues 332-352): LLAVQYLHEN[Gly342Ser]IIHRDLKPEN

ClinVar aggregate classification (germline): Uncertain significance. Review status: criteria provided, multiple submitters, no conflicts (2 of 4 stars). 7 submissions from 7 submitters: Uncertain significance (7). Last evaluated 2026-01-20.

Conditions:
Familial cancer of breast. Also called: hereditary breast carcinoma; BREAST CANCER, FAMILIAL; Hereditary breast cancer. Identifiers: Orphanet 227535, MedGen C0346153, MONDO:0016419, OMIM 114480. Disease mechanism: loss of function.
Bone osteosarcoma. Also called: Osteosarcoma, somatic. Identifiers: Orphanet 668, MedGen C0585442, MONDO:0002629, OMIM 259500.
CHEK2-related cancer predisposition (TPDS4). Also called: CHEK2-related cancer susceptibility; TUMOR PREDISPOSITION SYNDROME 4; CANCER PREDISPOSITION SYNDROME, CHEK2-RELATED. Identifiers: Orphanet 524, MedGen C5882668, MONDO:0700271, OMIM 609265.
Prostate cancer. Also called: Malignant tumor of prostate. Identifiers: Orphanet 1331, MedGen C0376358, MONDO:0008315, HP:0012125.
Hereditary cancer-predisposing syndrome. Also called: Neoplastic Syndromes, Hereditary; Hereditary neoplastic syndrome; Hereditary Cancer Syndrome; Tumor predisposition. Identifiers: Orphanet 140162, MedGen C0027672, MeSH D009386, MONDO:0015356.

Allele frequency attached by ClinVar (database versions not stated): gnomAD exomes 0.00006 and 0.00002; gnomAD 0.00001; TOPMed 0.00001; ExAC 0.00004.
gnomAD v4.1: 27 of 1,611,586 alleles (0.0017%); highest among the groups gnomAD compares: Admixed American, 0.015%; no homozygotes.

Submissions (7):

Labcorp Genetics (formerly Invitae), Labcorp
Classification: Uncertain significance for Familial cancer of breast. Last evaluated: 2026-01-20. Review status: criteria provided, single submitter. Criteria: Invitae Variant Classification Sherloc (09022015). Collection method: clinical testing. Allele origin: germline.
Comment: This sequence change replaces glycine, which is neutral and non-polar, with serine, which is neutral and polar, at codon 342 of the CHEK2 protein (p.Gly342Ser). This variant is present in population databases (rs730881705, gnomAD 0.02%). This missense change has been observed in individual(s) with breast cancer (PMID: 35264596, 37449874). ClinVar contains an entry for this variant (Variation ID: 182457). An algorithm developed to predict the effect of missense changes on protein structure and function (PolyPhen-2) suggests that this variant is likely to be disruptive. Experimental studies have shown that this missense change does not substantially affect CHEK2 function (PMID: 37449874). In summary, the available evidence is currently insufficient to determine the role of this variant in disease. Therefore, it has been classified as a Variant of Uncertain Significance.

Ambry Genetics
Classification: Uncertain significance for Hereditary cancer-predisposing syndrome. Last evaluated: 2025-10-29. Review status: criteria provided, single submitter. Criteria: Ambry Variant Classification Scheme 2023. Collection method: clinical testing. Allele origin: germline.
Comment: The p.G342S variant (also known as c.1024G>A), located in coding exon 9 of the CHEK2 gene, results from a G to A substitution at nucleotide position 1024. The glycine at codon 342 is replaced by serine, an amino acid with similar properties. This alteration behaved as functional in an in vivo, yeast-based growth rate assay (Delimitsou A et al. Hum. Mutat., 2019 05;40:631-648). This variant was also reported as functional in a study assessing CHEK2-complementation through quantification of KAP1 phosphorylation and CHK2 autophosphorylation in human RPE1-CHEK2-knockout cells (Stolarova L et al. Clin Cancer Res, 2023 Aug;29:3037-3050). This amino acid position is highly conserved in available vertebrate species. In addition, this alteration is predicted to be deleterious by in silico analysis. Based on the available evidence, the clinical significance of this variant remains unclear.

Baylor Genetics
Classification: Uncertain significance for Familial cancer of breast. Last evaluated: 2024-03-13. Review status: criteria provided, single submitter. Criteria: ACMG Guidelines, 2015. Collection method: clinical testing. Allele origin: unknown.

GeneDx
Classification: Uncertain significance. Last evaluated: 2023-05-04. Review status: criteria provided, single submitter. Criteria: GeneDx Variant Classification Process June 2021. Collection method: clinical testing. Allele origin: germline. Affected: yes.
Comment: Not observed at significant frequency in large population cohorts (gnomAD); In silico analysis supports that this missense variant has a deleterious effect on protein structure/function; Observed in a patient with breast cancer (Guindalini et al., 2022); Variant considered functional in a yeast-based growth rate assay (Delimitsou et al., 2019); This variant is associated with the following publications: (PMID: 18306035, 22419737, 19782031, 35264596, 30851065)

Color Diagnostics, LLC DBA Color Health
Classification: Uncertain significance for Hereditary cancer-predisposing syndrome. Last evaluated: 2020-09-29. Review status: criteria provided, single submitter. Criteria: ACMG Guidelines, 2015. Collection method: clinical testing. Allele origin: germline.
Comment: This missense variant replaces glycine with serine at codon 342 of the CHEK2 protein. Computational prediction suggests that this variant may not impact protein structure and function (internally defined REVEL score threshold <= 0.5, PMID: 27666373). An experimental functional study has shown this variant to be neutral in a yeast based DNA damage repair assay (PMID: 30851065). This variant has not been reported in individuals affected with hereditary cancer in the literature. This variant has been identified in 16/251112 chromosomes in the general population by the Genome Aggregation Database (gnomAD). The available evidence is insufficient to determine the role of this variant in disease conclusively. Therefore, this variant is classified as a Variant of Uncertain Significance.

Fulgent Genetics
Classification: Uncertain significance for Familial cancer of breast; Familial prostate cancer; Bone osteosarcoma; CHEK2-related cancer predisposition. Last evaluated: 2018-10-31. Review status: criteria provided, single submitter. Criteria: ACMG Guidelines, 2015. Collection method: clinical testing. Allele origin: unknown.

Mendelics
Classification: Uncertain significance for Familial cancer of breast. Last evaluated: 2018-07-02. Review status: criteria provided, single submitter. Criteria: Mendelics Assertion Criteria 2017. Collection method: clinical testing. Allele origin: unknown.

Literature cited by the submitters: PubMed 35264596 (cited by Labcorp Genetics (formerly Invitae), Labcorp); PubMed 37449874 (cited by Labcorp Genetics (formerly Invitae), Labcorp and Ambry Genetics); PubMed 30851065 (cited by Ambry Genetics).